The following is an entry in ClinVar:

ClinVar aggregate classification (germline): Conflicting classifications of pathogenicity. Review status: criteria provided, conflicting classifications (1 of 4 stars). 5 submissions from 5 submitters: Uncertain significance (4); Likely benign (1). Last evaluated 2025-12-13.

Conditions:
Episodic ataxia type 2 (EA2). Also called: ATAXIA, EPISODIC, WITH NYSTAGMUS; ATAXIA, FAMILIAL PAROXYSMAL; CEREBELLAR ATAXIA, PAROXYSMAL, ACETAZOLAMIDE-RESPONSIVE; CEREBELLOPATHY, HEREDITARY PAROXYSMAL; ACETAZOLAMIDE-RESPONSIVE HEREDITARY PAROXYSMAL CEREBELLAR ATAXIA; EPISODIC ATAXIA, NYSTAGMUS-ASSOCIATED. Identifiers: Orphanet 97, MedGen C1720416, MONDO:0007163, OMIM 108500.
Developmental and epileptic encephalopathy, 42 (DEE42A). Also called: Epileptic encephalopathy, early infantile, 42; DEVELOPMENTAL AND EPILEPTIC ENCEPHALOPATHY 42A; EPILEPTIC ENCEPHALOPATHY, EARLY INFANTILE, 42A. Identifiers: MedGen C4310716, MONDO:0014917, OMIM 617106.
Inborn genetic diseases. Identifiers: MedGen C0950123, MeSH D030342.
Spinocerebellar ataxia type 6 (SCA6). Identifiers: Orphanet 98758, MedGen C0752124, MONDO:0008457, OMIM 183086.
Migraine, familial hemiplegic, 1. Also called: MIGRAINE, FAMILIAL HEMIPLEGIC 1, WITH PROGRESSIVE CEREBELLAR ATAXIA. Identifiers: Orphanet 569, MedGen C1832884, MONDO:0020756, OMIM 141500, MONDO:0007714.

Allele frequency attached by ClinVar (database versions not stated): gnomAD 0.00001; TOPMed 0.00001; gnomAD exomes 0.00002; ExAC 0.00013.
gnomAD v4.1: 26 of 1,399,502 alleles (0.0019%); highest among the groups gnomAD compares: African/African-American, 0.003%; no homozygotes.

Submissions (5):

Labcorp Genetics (formerly Invitae), Labcorp
Classification: Likely benign for Developmental and epileptic encephalopathy, 42; Episodic ataxia type 2. Last evaluated: 2025-12-13. Review status: criteria provided, single submitter. Criteria: Invitae Variant Classification Sherloc (09022015). Collection method: clinical testing. Allele origin: germline.

GeneDx
Classification: Uncertain significance. Last evaluated: 2023-11-01. Review status: criteria provided, single submitter. Criteria: GeneDx Variant Classification Process June 2021. Collection method: clinical testing. Allele origin: germline. Affected: yes.
Comment: Not observed at significant frequency in large population cohorts (gnomAD); In silico analysis supports that this missense variant has a deleterious effect on protein structure/function; Has not been previously published as pathogenic or benign to our knowledge

Fulgent Genetics
Classification: Uncertain significance for Episodic ataxia type 2; Migraine, familial hemiplegic, 1; Spinocerebellar ataxia type 6; Developmental and epileptic encephalopathy, 42. Last evaluated: 2018-10-31. Review status: criteria provided, single submitter. Criteria: ACMG Guidelines, 2015. Collection method: clinical testing. Allele origin: unknown.

Ambry Genetics
Classification: Uncertain significance for Inborn genetic diseases. Last evaluated: 2017-05-30. Review status: criteria provided, single submitter. Criteria: Ambry Variant Classification Scheme 2023. Collection method: clinical testing. Allele origin: germline.
Comment: The p.P2145L variant (also known as c.6434C>T), located in coding exon 45 of the CACNA1A gene, results from a C to T substitution at nucleotide position 6434. The proline at codon 2145 is replaced by leucine, an amino acid with similar properties. This amino acid position is poorly conserved in available vertebrate species. In addition, this alteration is predicted to be tolerated by in silico analysis. Since supporting evidence is limited at this time, the clinical significance of this alteration remains unclear.

Athena Diagnostics
Classification: Uncertain significance. Last evaluated: 2017-03-06. Review status: criteria provided, single submitter. Criteria: Athena Diagnostics Criteria. Collection method: clinical testing. Allele origin: germline.

NM_001127222.2(CACNA1A):c.6431C>T (p.Pro2144Leu)

Gene: CACNA1A (calcium voltage-gated channel subunit alpha1 A; minus strand). Cytogenetic location: 19p13.13.
Variant type: single nucleotide variant.
Coding change: c.6431C>T on transcript NM_001127222.2 (MANE Select); coding-DNA position 6431, C replaced by T.
Protein change: p.Pro2144Leu; replaces proline 2144 with leucine.
Molecular consequence: missense variant.
Genome position (GRCh38, 1-based): chr19:13,209,407, G>A on the plus strand (C>T on the coding strand, the complement: CACNA1A is on the minus strand). VCF-style: chr19-13209407-G-A. GRCh37 (hg19) VCF-style: chr19-13320221-G-A.
Other names: c.6449C>T, p.Pro2150Leu (NM_000068.4, NM_023035.3); c.6434C>T, p.Pro2145Leu (NM_001127221.2); c.6440C>T, p.Pro2147Leu (NM_001174080.2); short protein forms P2145L, P2150L, P2144L, P2147L.
Identifiers: ClinVar variation 446939 (VCV000446939.16), dbSNP rs750077868, ClinGen allele CA9239365.